The following is an entry in ClinVar:

ClinVar aggregate classification (germline): Uncertain significance (1 of 4 stars; one submission).

Submission:

GeneDx
Classification: Uncertain significance. Last evaluated: 2022-02-24. Review status: criteria provided, single submitter. Criteria: GeneDx Variant Classification Process June 2021. Collection method: clinical testing. Allele origin: germline. Affected: yes.
Comment: Not observed at significant frequency in large population cohorts (gnomAD); In silico analysis supports that this missense variant has a deleterious effect on protein structure/function; Has not been previously published as pathogenic or benign to our knowledge

NM_001374353.1(GLI2):c.686G>T (p.Arg229Leu)

Gene: GLI2 (GLI family zinc finger 2; plus strand). Cytogenetic location: 2q14.2.
Variant type: single nucleotide variant.
Coding change: c.686G>T on transcript NM_001374353.1 (MANE Select); coding-DNA position 686, G replaced by T.
Protein change: p.Arg229Leu; replaces arginine 229 with leucine.
Molecular consequence: missense variant.
Genome position (GRCh38, 1-based): chr2:120,968,756, G>T. VCF-style: chr2-120968756-G-T. GRCh37 (hg19) VCF-style: chr2-121726332-G-T.
Other names: c.686G>T, p.Arg229Leu (NM_001371271.1, NM_005270.5); c.311G>T, p.Arg104Leu (NM_001374354.1); short protein forms R104L, R229L.
Identifiers: ClinVar variation 1703270 (VCV001703270.2), dbSNP rs755043644, ClinGen allele CA348165635.
Genomic context (GRCh38, chr2:120,968,756, plus strand): 5'-GTGTTGACTATCCCACAGTGTCCCGTTTCTCCAGCCCGCGGGTGACGCCCCGCCTGAGCC[G>T]CAAGCGGGCGCTGTCCATCTCCCCACTCTCAGACGCCAGCCTGGACCTGCAGCGGATGAT-3'
Protein context (NP_001361282.1, residues 219-239): SSPRVTPRLS[Arg229Leu]KRALSISPLS